The following is an entry in ClinVar:

ClinVar aggregate classification (germline): Benign (1 of 4 stars; one submission).

gnomAD v4.1: 14,103 of 1,613,998 alleles (0.87%); highest among the groups gnomAD compares: Non-Finnish European, 0.98%; 83 homozygotes.

Submission:

CeGaT Center for Human Genetics Tuebingen
Classification: Benign. Last evaluated: 2026-09-01. Review status: criteria provided, single submitter. Criteria: CeGaT Center For Human Genetics Tuebingen Variant Classification Criteria Version 2. Collection method: clinical testing. Allele origin: germline. Affected: yes. Observed: 13 variant alleles.
Comment: DENND5B: BP4, BP7, BS1, BS2

NM_144973.4(DENND5B):c.1233A>G (p.Leu411=)

Gene: DENND5B (DENN domain containing 5B; minus strand). Cytogenetic location: 12p11.21.
Variant type: single nucleotide variant.
Coding change: c.1233A>G on transcript NM_144973.4 (MANE Select); coding-DNA position 1233, A replaced by G.
Protein change: p.Leu411=; no amino-acid change (leucine 411 retained).
Molecular consequence: synonymous variant.
Genome position (GRCh38, 1-based): chr12:31,452,336, T>C on the plus strand (A>G on the coding strand, the complement: DENND5B is on the minus strand). VCF-style: chr12-31452336-T-C. GRCh37 (hg19) VCF-style: chr12-31605270-T-C.
Other names: c.1338A>G, p.Leu446= (NM_001308339.2); c.1299A>G, p.Leu433= (NM_001366890.1, NM_001366893.1); c.702A>G, p.Leu234= (NM_001366891.1); c.1233A>G, p.Leu411= (NM_001366892.1).
Identifiers: ClinVar variation 3777811 (VCV003777811.7).